The following is an entry in ClinVar:

ClinVar aggregate classification (germline): Uncertain significance. Review status: criteria provided, multiple submitters, no conflicts (2 of 4 stars). 2 submissions from 2 submitters: Uncertain significance (2). Last evaluated 2025-06-26.

Conditions:
Hereditary cancer-predisposing syndrome. Also called: Hereditary Cancer Syndrome; Hereditary neoplastic syndrome; Neoplastic Syndromes, Hereditary; Tumor predisposition. Identifiers: Orphanet 140162, MedGen C0027672, MeSH D009386, MONDO:0015356.
Familial cancer of breast. Also called: Hereditary breast cancer; BREAST CANCER, FAMILIAL; hereditary breast carcinoma. Identifiers: Orphanet 227535, MedGen C0346153, MONDO:0016419, OMIM 114480. Disease mechanism: loss of function.

Submissions (2):

Ambry Genetics
Classification: Uncertain significance for Hereditary cancer-predisposing syndrome. Last evaluated: 2025-06-26. Review status: criteria provided, single submitter. Criteria: Ambry Variant Classification Scheme 2023. Collection method: clinical testing. Allele origin: germline.
Comment: The p.D727H variant (also known as c.2179G>C), located in coding exon 11 of the BARD1 gene, results from a G to C substitution at nucleotide position 2179. The aspartic acid at codon 727 is replaced by histidine, an amino acid with similar properties. This amino acid position is not well conserved in available vertebrate species. In addition, this alteration is predicted to be tolerated by in silico analysis. Based on the available evidence, the clinical significance of this variant remains unclear.

Labcorp Genetics (formerly Invitae), Labcorp
Classification: Uncertain significance for Familial cancer of breast. Last evaluated: 2024-12-29. Review status: criteria provided, single submitter. Criteria: Invitae Variant Classification Sherloc (09022015). Collection method: clinical testing. Allele origin: germline.
Comment: This sequence change replaces aspartic acid, which is acidic and polar, with histidine, which is basic and polar, at codon 727 of the BARD1 protein (p.Asp727His). This variant is not present in population databases (gnomAD no frequency). This variant has not been reported in the literature in individuals affected with BARD1-related conditions. An algorithm developed to predict the effect of missense changes on protein structure and function (PolyPhen-2) suggests that this variant is likely to be disruptive. In summary, the available evidence is currently insufficient to determine the role of this variant in disease. Therefore, it has been classified as a Variant of Uncertain Significance.

NM_000465.4(BARD1):c.2179G>C (p.Asp727His)

Gene: BARD1 (BRCA1 associated RING domain 1; minus strand). Cytogenetic location: 2q35.
Variant type: single nucleotide variant.
Coding change: c.2179G>C on transcript NM_000465.4 (MANE Select); coding-DNA position 2179, G replaced by C.
Protein change: p.Asp727His; replaces aspartic acid 727 with histidine.
Molecular consequence: missense variant. On other transcripts: non-coding transcript variant (3).
Genome position (GRCh38, 1-based): chr2:214,728,831, C>G on the plus strand (G>C on the coding strand, the complement: BARD1 is on the minus strand). VCF-style: chr2-214728831-C-G. GRCh37 (hg19) VCF-style: chr2-215593555-C-G.
Other names: c.2122G>C, p.Asp708His (NM_001282543.2); c.826G>C, p.Asp276His (NM_001282545.2); c.769G>C, p.Asp257His (NM_001282548.2); c.640G>C, p.Asp214His (NM_001282549.2); c.2179G>C (NM_000465.2); short protein forms D214H, D257H, D276H, D708H, D727H.
Identifiers: ClinVar variation 3728209 (VCV003728209.3).